The following is an entry in ClinVar:

NM_000520.6(HEXA):c.1160C>T (p.Thr387Ile)

Gene: HEXA (hexosaminidase subunit alpha; minus strand). Cytogenetic location: 15q23.
Variant type: single nucleotide variant.
Coding change: c.1160C>T on transcript NM_000520.6 (MANE Select); coding-DNA position 1160, C replaced by T.
Protein change: p.Thr387Ile; replaces threonine 387 with isoleucine.
Molecular consequence: missense variant.
Genome position (GRCh38, 1-based): chr15:72,346,697, G>A on the plus strand (C>T on the coding strand, the complement: HEXA is on the minus strand). VCF-style: chr15-72346697-G-A. GRCh37 (hg19) VCF-style: chr15-72639038-G-A.
Other names: c.1193C>T, p.Thr398Ile (NM_001318825.2); short protein forms T387I, T398I.
Identifiers: ClinVar variation 2180795 (VCV002180795.1), dbSNP rs910063850, ClinGen allele CA272610309.

ClinVar aggregate classification (germline): Uncertain significance (1 of 4 stars; one submission).

Conditions:
Tay-Sachs disease (TSD). Also called: GM2 gangliosidosis, type 1; Hexosaminidase alpha-subunit deficiency (variant B); Sphingolipidosis, Tay-Sachs; HEXA DEFICIENCY; Hexosaminidase A Deficiency; HEXA Disorders. Identifiers: Orphanet 845, MedGen C0039373, MONDO:0010100, OMIM 272800.

Allele frequency attached by ClinVar (database versions not stated): TOPMed below 0.00001; gnomAD exomes 0.00001.

Submission:

Labcorp Genetics (formerly Invitae), Labcorp
Classification: Uncertain significance for Tay-Sachs disease. Last evaluated: 2022-07-08. Review status: criteria provided, single submitter. Criteria: Invitae Variant Classification Sherloc (09022015). Collection method: clinical testing. Allele origin: germline.
Comment: This sequence change replaces threonine, which is neutral and polar, with isoleucine, which is neutral and non-polar, at codon 387 of the HEXA protein (p.Thr387Ile). This variant is not present in population databases (gnomAD no frequency). This variant has not been reported in the literature in individuals affected with HEXA-related conditions. Algorithms developed to predict the effect of missense changes on protein structure and function are either unavailable or do not agree on the potential impact of this missense change (SIFT: "Deleterious"; PolyPhen-2: "Probably Damaging"; Align-GVGD: "Class C0"). In summary, the available evidence is currently insufficient to determine the role of this variant in disease. Therefore, it has been classified as a Variant of Uncertain Significance.